The following is an entry in ClinVar:

ClinVar aggregate classification (germline): Likely pathogenic (1 of 4 stars; one submission).

Conditions:
Heterotaxy, visceral, 12, autosomal (HTX12). Identifiers: MedGen C5676898, MONDO:0859222, OMIM 619702.

gnomAD v4.1: 1 of 606,686 alleles (0.00016%); highest among the groups gnomAD compares: South Asian, 0.0019%; no homozygotes.

Submission:

Variantyx, Inc.
Classification: Likely pathogenic for Heterotaxy, visceral, 12, autosomal. Last evaluated: 2025-10-24. Review status: criteria provided, single submitter. Criteria: Variantyx Assertion Criteria 2022. Collection method: clinical testing. Allele origin: germline. Inheritance: Autosomal recessive inheritance. Affected: no.
Comment: This is a nonsense variant in the CIROP gene (OMIM: 619703). Pathogenic variants in this gene have been associated with autosomal recessive visceral heterotaxy 12. This variant introduces a premature termination codon in exon 13 out of 16 and is expected to result in loss of function, which is a known disease mechanism for CIROP in this disorder (PMID:34903892) (PVS1). It has a 0.0021% maximum allele frequency in non-founder control populations (PM2) and it has not been reported in individuals with CIROP-related disorders in the databases available for review. Based on the current evidence, this variant is classified as likely pathogenic for autosomal recessive visceral heterotaxy 12.

Literature cited by the submitters: PubMed 34903892.

NM_001354640.2(CIROP):c.1582C>T (p.Gln528Ter)

Gene: CIROP (ciliated left-right organizer metallopeptidase; minus strand). Cytogenetic location: 14q11.2.
Variant type: single nucleotide variant.
Coding change: c.1582C>T on transcript NM_001354640.2 (MANE Select); coding-DNA position 1582, C replaced by T.
Protein change: p.Gln528Ter; replaces glutamine 528 with a stop codon.
Molecular consequence: nonsense.
Genome position (GRCh38, 1-based): chr14:23,101,459, G>A on the plus strand (C>T on the coding strand, the complement: CIROP is on the minus strand). VCF-style: chr14-23101459-G-A. GRCh37 (hg19) VCF-style: chr14-23570668-G-A.
Other names: c.1417C>T, p.Gln473Ter (NM_001402427.1); short protein forms Q473*, Q528*.
Identifiers: ClinVar variation 4849970 (VCV004849970.1).